The following is an entry in ClinVar:

ClinVar aggregate classification (germline): Pathogenic. Review status: criteria provided, multiple submitters, no conflicts (2 of 4 stars). 6 submissions from 5 submitters: Pathogenic (4). 2 of the submissions do not count toward it. Last evaluated 2025-12-30.

Conditions:
TCF12-related disorder. Also called: TCF12-related condition.
HYPOGONADOTROPIC HYPOGONADISM 26 WITH ANOSMIA.
TCF12-related craniosynostosis. Also called: Craniosynostosis 3. Identifiers: Orphanet 35098, Orphanet 35099, Orphanet 672979, MedGen C3715051, MONDO:0014128, OMIM 615314.

Allele frequency attached by ClinVar (database versions not stated): TOPMed below 0.00001.

Submissions (6):

GeneDx
Classification: Pathogenic. Last evaluated: 2025-12-30. Review status: criteria provided, single submitter. Criteria: GeneDx Variant Classification Process June 2021. Collection method: clinical testing. Allele origin: germline. Affected: yes.
Comment: Frameshift variant predicted to result in protein truncation or nonsense mediated decay in a gene for which loss of function is a known mechanism of disease; Not observed at significant frequency in large population cohorts (gnomAD); This variant is associated with the following publications: (PMID: 32620954, 23354436, 27102868, 28474983, 33904513, 36268624)

Greenwood Genetic Center Diagnostic Laboratories, Greenwood Genetic Center
Classification: Pathogenic for TCF12-related disorder. Last evaluated: 2025-04-23. Review status: criteria provided, single submitter. Criteria: ACMG Guidelines, 2015. Collection method: clinical testing. Allele origin: germline. Affected: yes.
Comment: PVS1, PS4, PM2, PM6

Labcorp Genetics (formerly Invitae), Labcorp
Classification: Pathogenic. Last evaluated: 2024-08-26. Review status: criteria provided, single submitter. Criteria: Invitae Variant Classification Sherloc (09022015). Collection method: clinical testing. Allele origin: germline.
Comment: This sequence change creates a premature translational stop signal (p.Val498Cysfs*12) in the TCF12 gene. It is expected to result in an absent or disrupted protein product. Loss-of-function variants in TCF12 are known to be pathogenic (PMID: 23354436, 32620954). This variant is not present in population databases (gnomAD no frequency). This premature translational stop signal has been observed in individual(s) with Kallman syndrome and TCF12-related craniosynostosis (PMID: 32620954, 33904513). ClinVar contains an entry for this variant (Variation ID: 55912). For these reasons, this variant has been classified as Pathogenic.

Revvity Omics, Revvity
Classification: Pathogenic. Last evaluated: 2022-06-29. Review status: criteria provided, single submitter. Criteria: ACMG Guidelines, 2015. Collection method: clinical testing. Allele origin: germline.

OMIM
Classification: Pathogenic for CRANIOSYNOSTOSIS 3. Last evaluated: 2013-03-01. Review status: no assertion criteria provided. Collection method: literature only. Allele origin: germline. Not counted in ClinVar's aggregate classification.

OMIM
Classification: Pathogenic for HYPOGONADOTROPIC HYPOGONADISM 26 WITH ANOSMIA. Last evaluated: 2013-03-01. Review status: no assertion criteria provided. Collection method: literature only. Allele origin: germline. Not counted in ClinVar's aggregate classification.

Literature cited by the submitters: PubMed 23354436 (cited by Labcorp Genetics (formerly Invitae), Labcorp and OMIM); PubMed 32620954 (cited by Labcorp Genetics (formerly Invitae), Labcorp and OMIM); PubMed 33904513 (cited by Labcorp Genetics (formerly Invitae), Labcorp).

NM_207037.2(TCF12):c.1491dup (p.Val498fs)

Gene: TCF12 (transcription factor 12; plus strand). Cytogenetic location: 15q21.3.
Variant type: Duplication.
Coding change: c.1491dup on transcript NM_207037.2 (MANE Select); coding-DNA position 1491, one base duplicated (T; older notation c.1491dupT).
Protein change: p.Val498fs; shifts the reading frame from valine 498.
Molecular consequence: frameshift variant.
Genome position (GRCh38, 1-based): chr15:57,262,117, T duplicated. VCF-style (leftmost placement, unchanged base first): chr15-57262116-C-CT. GRCh37 (hg19) VCF-style: chr15-57554314-C-CT.
Other names: c.1491dupT (NM_207036.1); c.981dup, p.Val328fs (NM_001306219.3); c.711dup, p.Val238fs (NM_001306220.3); c.1491dup, p.Val498fs (NM_001322151.2, NM_001322152.2, NM_001322159.3 and 2 more transcripts); c.834dup, p.Val279fs (NM_001322154.2); c.1317dup, p.Val440fs (NM_001322156.2); c.1419dup, p.Val474fs (NM_001322157.3, NM_001322165.2, NM_003205.4 and 1 more transcripts); c.1245dup, p.Val416fs (NM_001322158.2); and 3 more; short protein forms V474fs, V498fs, V416fs, V497fs, V238fs, V279fs, V304fs, V440fs.
Identifiers: ClinVar variation 55912 (VCV000055912.15), dbSNP rs886037637, ClinGen allele CA10575585.
Genomic context (GRCh38, chr15:57,262,116, plus strand): 5'-TTAATCTTTTTTTATTTTTGGGTTTTCCTTAACTTTAGGTTGGAACTCATCGGGAAGACT[C>CT]TGTCAGTCTCAATGGCAATCATTCAGTCCTGTCTAGTACAGTCACTACTTCAAGCACAGA-3'